The following is an entry in ClinVar:

NM_005120.3(MED12):c.3655G>C (p.Ala1219Pro)

Gene: MED12 (mediator complex subunit 12; plus strand). Cytogenetic location: Xq13.1.
Variant type: single nucleotide variant.
Coding change: c.3655G>C on transcript NM_005120.3 (MANE Select); coding-DNA position 3655, G replaced by C.
Protein change: p.Ala1219Pro; replaces alanine 1219 with proline.
Molecular consequence: missense variant.
Genome position (GRCh38, 1-based): chrX:71,129,393, G>C. VCF-style: chrX-71129393-G-C. GRCh37 (hg19) VCF-style: chrX-70349243-G-C.
Other names: short protein forms A1219P.
Identifiers: ClinVar variation 3393894 (VCV003393894.3).

ClinVar aggregate classification (germline): Likely pathogenic (1 of 4 stars; one submission).

Submission:

GeneDx
Classification: Likely pathogenic. Last evaluated: 2026-10-19. Review status: criteria provided, single submitter. Criteria: GeneDx Variant Classification Process June 2021. Collection method: clinical testing. Allele origin: germline.
Comment: Not observed at significant frequency in large population cohorts (gnomAD); In silico analysis suggests that this missense variant does not alter protein structure/function; Has not been previously published as pathogenic or benign to our knowledge